The following is an entry in ClinVar:

ClinVar aggregate classification (germline): Conflicting classifications of pathogenicity. Review status: criteria provided, conflicting classifications (1 of 4 stars). 5 submissions from 4 submitters: Uncertain significance (2); Likely benign (3). Last evaluated 2024-08-13.

Conditions:
Inborn genetic diseases. Identifiers: MedGen C0950123, MeSH D030342.
Familial sleep-related hypermotor epilepsy. Also called: Autosomal Dominant Sleep-Related Hypermotor (Hyperkinetic) Epilepsy. Identifiers: Orphanet 98784, MedGen C3696898, MONDO:0000030.
Tobacco addiction, susceptibility to. Also called: CIGARETTE HABITUATION, SUSCEPTIBILITY TO. Identifiers: MedGen C1861063, MONDO:0100460, OMIM 188890.
Autosomal dominant nocturnal frontal lobe epilepsy 1. Also called: CHRNA4-Related Nocturnal Frontal Lobe Epilepsy, Autosomal Dominant; EPILEPSY, NOCTURNAL FRONTAL LOBE, TYPE 1. Identifiers: Orphanet 98784, MedGen C1838049, MONDO:0010899, OMIM 600513.

Allele frequency attached by ClinVar (database versions not stated): gnomAD 0.00007 and 0.00006; TOPMed 0.00007; 1000 Genomes Project 0.00020; ExAC 0.00001; 1000 Genomes Project 30x 0.00031.
gnomAD v4.1: 76 of 1,612,622 alleles (0.0047%); highest among the groups gnomAD compares: East Asian, 0.031%; no homozygotes.

Submissions (5):

Labcorp Genetics (formerly Invitae), Labcorp
Classification: Likely benign. Last evaluated: 2024-08-13. Review status: criteria provided, single submitter. Criteria: Invitae Variant Classification Sherloc (09022015). Collection method: clinical testing. Allele origin: germline.

GeneDx
Classification: Likely benign. Last evaluated: 2020-01-09. Review status: criteria provided, single submitter. Criteria: GeneDx Variant Classification Process June 2021. Collection method: clinical testing. Allele origin: germline. Affected: yes.

Center for Genomics, Ann and Robert H. Lurie Children's Hospital of Chicago
Classification: Uncertain significance for Autosomal dominant nocturnal frontal lobe epilepsy 1. Last evaluated: 2018-09-27. Review status: criteria provided, single submitter. Criteria: ACMG Guidelines, 2015. Collection method: clinical testing. Allele origin: germline.
Comment: CHRNA4 NM_000744.6 exon 2 p.Ser46= (c.138C>T): This variant has not been reported in the literature but is present in 0.02% (7/33576) of Latino alleles in the Genome Aggregation Database. This variant is present in ClinVar (Variation ID:510852). Evolutionary conservation and computational predictive tools for this variant are limited or unavailable. Of note, this variant is a silent variant and does not change the amino acid, reducing the probability that this variant is disease causing. In summary, data on this variant is insufficient for disease classification. Therefore, the clinical significance of this variant is uncertain.

Ambry Genetics
Classification: Likely benign for Inborn genetic diseases. Last evaluated: 2016-07-28. Review status: criteria provided, single submitter. Criteria: Ambry Variant Classification Scheme 2023. Collection method: clinical testing. Allele origin: germline.

Center for Genomics, Ann and Robert H. Lurie Children's Hospital of Chicago
Classification: Uncertain significance for Tobacco addiction, susceptibility to; Autosomal dominant nocturnal frontal lobe epilepsy 1. Review status: criteria provided, single submitter. Criteria: ACMG Guidelines, 2015. Collection method: clinical testing. Allele origin: germline.
Comment: the same text as in the submission from Center for Genomics, Ann and Robert H. Lurie Children's Hospital of Chicago above.

NM_000744.7(CHRNA4):c.138C>T (p.Ser46=)

Gene: CHRNA4 (cholinergic receptor nicotinic alpha 4 subunit; minus strand). Cytogenetic location: 20q13.33.
Variant type: single nucleotide variant.
Coding change: c.138C>T on transcript NM_000744.7 (MANE Select); coding-DNA position 138, C replaced by T.
Protein change: p.Ser46=; no amino-acid change (serine 46 retained).
Molecular consequence: synonymous variant. On other transcripts: 5 prime UTR variant (1), non-coding transcript variant (1).
Genome position (GRCh38, 1-based): chr20:63,359,638, G>A on the plus strand (C>T on the coding strand, the complement: CHRNA4 is on the minus strand). VCF-style: chr20-63359638-G-A. GRCh37 (hg19) VCF-style: chr20-61990990-G-A.
Other names: c.-409C>T (NM_001256573.2).
Identifiers: ClinVar variation 510852 (VCV000510852.18), dbSNP rs200705061, ClinGen allele CA9957965.